The following is an entry in ClinVar:

NM_053013.4(ENO3):c.240G>A (p.Lys80=)

Gene: ENO3 (enolase 3; plus strand). Cytogenetic location: 17p13.2.
Variant type: single nucleotide variant.
Coding change: c.240G>A on transcript NM_053013.4 (MANE Select); coding-DNA position 240, G replaced by A.
Protein change: p.Lys80=; no amino-acid change (lysine 80 retained).
Molecular consequence: synonymous variant. On other transcripts: intron variant (1).
Genome position (GRCh38, 1-based): chr17:4,953,109, G>A. VCF-style: chr17-4953109-G-A. GRCh37 (hg19) VCF-style: chr17-4856404-G-A.
Other names: c.240G>A, p.Lys80= (NM_001374523.1, NM_001976.5); c.267G>A, p.Lys89= (NM_001374524.1); c.181+219G>A (NM_001193503.2).
Identifiers: ClinVar variation 835452 (VCV000835452.7), dbSNP rs980318534, ClinGen allele CA287173291.

ClinVar aggregate classification (germline): Uncertain significance (1 of 4 stars; one submission).

Conditions:
Glycogen storage disease due to muscle beta-enolase deficiency (GSD13). Also called: Glycogen Storage Disease Type XIII; ENOLASE 3 DEFICIENCY; ENOLASE-BETA DEFICIENCY; GSD XIII. Identifiers: Orphanet 99849, MedGen C2752027, MONDO:0013046, OMIM 612932.

Allele frequency attached by ClinVar (database versions not stated): TOPMed below 0.00001.

Submission:

Labcorp Genetics (formerly Invitae), Labcorp
Classification: Uncertain significance for Glycogen storage disease due to muscle beta-enolase deficiency. Last evaluated: 2019-03-25. Review status: criteria provided, single submitter. Criteria: Invitae Variant Classification Sherloc (09022015). Collection method: clinical testing. Allele origin: germline.
Comment: In summary, the available evidence is currently insufficient to determine the role of this variant in disease. Therefore, it has been classified as a Variant of Uncertain Significance. Nucleotide substitutions within the consensus splice site are a relatively common cause of aberrant splicing (PMID: 17576681, 9536098). Algorithms developed to predict the effect of sequence changes on RNA splicing suggest that this variant may create or strengthen a splice site, but this prediction has not been confirmed by published transcriptional studies. This variant has not been reported in the literature in individuals with ENO3-related conditions. This variant is not present in population databases (ExAC no frequency). This sequence change affects codon 80 of the ENO3 mRNA. It is a 'silent' change, meaning that it does not change the encoded amino acid sequence of the ENO3 protein. This variant also falls at the last nucleotide of exon 4 of the ENO3 coding sequence, which is part of the consensus splice site for this exon.

Literature cited by the submitters: PubMed 17576681; PubMed 9536098.